The following is an entry in ClinVar:

NM_000038.6(APC):c.6672C>G (p.Ile2224Met)

Gene: APC (APC regulator of Wnt signaling pathway; plus strand). Cytogenetic location: 5q22.2.
Variant type: single nucleotide variant.
Coding change: c.6672C>G on transcript NM_000038.6 (MANE Select); coding-DNA position 6672, C replaced by G.
Protein change: p.Ile2224Met; replaces isoleucine 2224 with methionine.
Molecular consequence: missense variant.
Genome position (GRCh38, 1-based): chr5:112,842,266, C>G. VCF-style: chr5-112842266-C-G. GRCh37 (hg19) VCF-style: chr5-112177963-C-G.
Other names: c.6672C>G, p.Ile2224Met (NM_001127510.3, NM_001354895.2, NM_001407450.1); c.6618C>G, p.Ile2206Met (NM_001127511.3); c.6726C>G, p.Ile2242Met (NM_001354896.2, NM_001407447.1, NM_001407448.1 and 1 more transcripts); c.6702C>G, p.Ile2234Met (NM_001354897.2); c.6597C>G, p.Ile2199Met (NM_001354898.2); c.6588C>G, p.Ile2196Met (NM_001354899.2); c.6549C>G, p.Ile2183Met (NM_001354900.2); c.6495C>G, p.Ile2165Met (NM_001354901.2, NM_001407453.1); and 11 more; short protein forms I1941M, I2123M, I2234M, I2133M, I2141M, I2199M, I2214M, I2217M.
Identifiers: ClinVar variation 1754809 (VCV001754809.6), dbSNP rs1766272355, ClinGen allele CA16035924.

ClinVar aggregate classification (germline): Uncertain significance. Review status: criteria provided, multiple submitters, no conflicts (2 of 4 stars). 3 submissions from 3 submitters: Uncertain significance (3). Last evaluated 2025-02-26.

Conditions:
Hereditary cancer-predisposing syndrome. Also called: Neoplastic Syndromes, Hereditary; Tumor predisposition; Hereditary Cancer Syndrome; Hereditary neoplastic syndrome. Identifiers: Orphanet 140162, MedGen C0027672, MeSH D009386, MONDO:0015356.
Familial adenomatous polyposis 1 (FAP1). Also called: FAMILIAL ADENOMATOUS POLYPOSIS 1, ATTENUATED; POLYPOSIS, ADENOMATOUS INTESTINAL. Identifiers: MedGen C2713442, MONDO:0021056, OMIM 175100. Disease mechanism: loss of function.

Submissions (3):

Ambry Genetics
Classification: Uncertain significance for Hereditary cancer-predisposing syndrome. Last evaluated: 2025-02-26. Review status: criteria provided, single submitter. Criteria: Ambry Variant Classification Scheme 2023. Collection method: clinical testing. Allele origin: germline.
Comment: The p.I2224M variant (also known as c.6672C>G), located in coding exon 15 of the APC gene, results from a C to G substitution at nucleotide position 6672. The isoleucine at codon 2224 is replaced by methionine, an amino acid with highly similar properties. This amino acid position is well conserved in available vertebrate species. In addition, in silico predictors for this gene do not accurately predict pathogenicity. Missense alterations in APC are not a common cause of disease (Spier I et al. Genet Med. 2024 Feb;26(2):100992). Based on the available evidence, the clinical significance of this variant remains unclear.

Labcorp Genetics (formerly Invitae), Labcorp
Classification: Uncertain significance for Familial adenomatous polyposis 1. Last evaluated: 2023-10-22. Review status: criteria provided, single submitter. Criteria: Invitae Variant Classification Sherloc (09022015). Collection method: clinical testing. Allele origin: germline.
Comment: This sequence change replaces isoleucine, which is neutral and non-polar, with methionine, which is neutral and non-polar, at codon 2224 of the APC protein (p.Ile2224Met). This variant is not present in population databases (gnomAD no frequency). This variant has not been reported in the literature in individuals affected with APC-related conditions. ClinVar contains an entry for this variant (Variation ID: 1754809). Advanced modeling of protein sequence and biophysical properties (such as structural, functional, and spatial information, amino acid conservation, physicochemical variation, residue mobility, and thermodynamic stability) performed at Invitae indicates that this missense variant is not expected to disrupt APC protein function with a negative predictive value of 95%. In summary, the available evidence is currently insufficient to determine the role of this variant in disease. Therefore, it has been classified as a Variant of Uncertain Significance.

Quest Diagnostics Nichols Institute San Juan Capistrano
Classification: Uncertain significance. Last evaluated: 2022-11-28. Review status: criteria provided, single submitter. Criteria: Quest Diagnostics criteria. Collection method: clinical testing. Allele origin: unknown.
Comment: to the best of our knowledge, the variant has not been reported in the published literature. It also has not been reported in large, multi-ethnic general populations. Analysis of this variant using bioinformatics tools for the prediction of the effect of amino acid changes on protein structure and function yielded predictions that this variant is damaging. Based on the available information, we are unable to determine the clinical significance of this variant.